The following is an entry in ClinVar:

ClinVar aggregate classification (germline): Uncertain significance (1 of 4 stars; one submission).

Submission:

GeneDx
Classification: Uncertain significance. Last evaluated: 2023-11-11. Review status: criteria provided, single submitter. Criteria: GeneDx Variant Classification Process June 2021. Collection method: clinical testing. Allele origin: germline. Affected: yes.
Comment: Not observed at significant frequency in large population cohorts (gnomAD); In silico analysis supports that this missense variant has a deleterious effect on protein structure/function; Has not been previously published as pathogenic or benign to our knowledge

NM_004698.4(PRPF3):c.590A>T (p.Asn197Ile)

Gene: PRPF3 (pre-mRNA processing factor 3; plus strand). Cytogenetic location: 1q21.2.
Variant type: single nucleotide variant.
Coding change: c.590A>T on transcript NM_004698.4 (MANE Select); coding-DNA position 590, A replaced by T.
Protein change: p.Asn197Ile; replaces asparagine 197 with isoleucine.
Molecular consequence: missense variant. On other transcripts: non-coding transcript variant (4).
Genome position (GRCh38, 1-based): chr1:150,333,061, A>T. VCF-style: chr1-150333061-A-T. GRCh37 (hg19) VCF-style: chr1-150305532-A-T.
Other names: c.185A>T, p.Asn62Ile (NM_001350529.1); short protein forms N197I, N62I.
Identifiers: ClinVar variation 3364113 (VCV003364113.1).